The following is an entry in ClinVar:

ClinVar aggregate classification (germline): Conflicting classifications of pathogenicity. Review status: criteria provided, conflicting classifications (1 of 4 stars). 2 submissions from 2 submitters: Pathogenic (1); Uncertain significance (1). Last evaluated 2022-11-22.

Conditions:
Early-infantile DEE. Also called: Early infantile epileptic encephalopathy; Ohtahara syndrome; Early infantile epileptic encephalopathy with suppression bursts. Identifiers: Orphanet 1934, MedGen C0393706, MONDO:0800491.

Submissions (2):

Labcorp Genetics (formerly Invitae), Labcorp
Classification: Pathogenic for Early-infantile DEE. Last evaluated: 2022-11-22. Review status: criteria provided, single submitter. Criteria: Invitae Variant Classification Sherloc (09022015). Collection method: clinical testing. Allele origin: germline.
Comment: For these reasons, this variant has been classified as Pathogenic. Advanced modeling of protein sequence and biophysical properties (such as structural, functional, and spatial information, amino acid conservation, physicochemical variation, residue mobility, and thermodynamic stability) performed at Invitae indicates that this missense variant is expected to disrupt SCN8A protein function. ClinVar contains an entry for this variant (Variation ID: 932331). This missense change has been observed in individual(s) with clinical features of SCN8A-related conditions (Invitae). In at least one individual the variant was observed to be de novo. This variant is not present in population databases (gnomAD no frequency). This sequence change replaces isoleucine, which is neutral and non-polar, with threonine, which is neutral and polar, at codon 885 of the SCN8A protein (p.Ile885Thr).

CeGaT Center for Human Genetics Tuebingen
Classification: Uncertain significance. Last evaluated: 2020-04-01. Review status: criteria provided, single submitter. Criteria: CeGaT Center For Human Genetics Tuebingen Variant Classification Criteria Version 2. Collection method: clinical testing. Allele origin: germline. Affected: yes. Observed: 1 variant allele.

NM_001330260.2(SCN8A):c.2654T>C (p.Ile885Thr)

Gene: SCN8A (sodium voltage-gated channel alpha subunit 8; plus strand). Cytogenetic location: 12q13.13.
Variant type: single nucleotide variant.
Coding change: c.2654T>C on transcript NM_001330260.2 (MANE Select); coding-DNA position 2654, T replaced by C.
Protein change: p.Ile885Thr; replaces isoleucine 885 with threonine.
Molecular consequence: missense variant.
Genome position (GRCh38, 1-based): chr12:51,765,780, T>C. VCF-style: chr12-51765780-T-C. GRCh37 (hg19) VCF-style: chr12-52159564-T-C.
Other names: c.2654T>C, p.Ile885Thr (NM_001177984.3, NM_001369788.1, NM_014191.4); short protein forms I885T.
Identifiers: ClinVar variation 932331 (VCV000932331.44), dbSNP rs1942829127, ClinGen allele CA384887511.
Genomic context (GRCh38, chr12:51,765,780, plus strand): 5'-TCAAGATTATTGGAAATTCAGTGGGTGCCCTGGGCAACCTGACACTGGTGCTGGCCATTA[T>C]TGTCTTCATCTTTGCCGTGGTGGGGATGCAACTCTTTGGAAAAAGCTACAAAGAGTGTGT-3'
Protein context (NP_001317189.1, residues 875-895): LGNLTLVLAI[Ile885Thr]VFIFAVVGMQ